The following is an entry in ClinVar:

ClinVar aggregate classification (germline): Conflicting classifications of pathogenicity. Review status: criteria provided, conflicting classifications (1 of 4 stars). 4 submissions from 4 submitters: Uncertain significance (3); Likely benign (1). Last evaluated 2025-11-01.

Conditions:
Hypogonadotropic hypogonadism 3 with or without anosmia (HH3). Also called: HYPOGONADOTROPIC HYPOGONADISM 3 WITH ANOSMIA; PROKR2-Related GnRH Deficiency (Kallmann Syndrome 3). Identifiers: Orphanet 478, MedGen C3550478, MONDO:0009482, OMIM 244200.

Allele frequency attached by ClinVar (database versions not stated): gnomAD exomes 0.00002; ExAC 0.00003; gnomAD 0.00004 and 0.00006; TOPMed 0.00007; ESP Exome Variant Server 0.00015.

Submissions (4):

Labcorp Genetics (formerly Invitae), Labcorp
Classification: Uncertain significance. Last evaluated: 2025-11-01. Review status: criteria provided, single submitter. Criteria: Invitae Variant Classification Sherloc (09022015). Collection method: clinical testing. Allele origin: germline.
Comment: This sequence change replaces arginine, which is basic and polar, with tryptophan, which is neutral and slightly polar, at codon 117 of the PROKR2 protein (p.Arg117Trp). This variant is present in population databases (rs142008002, gnomAD 0.02%). This missense change has been observed in individual(s) with Kallmann syndrome (PMID: 25531638, 29161432; internal data). In at least one individual the data is consistent with being in trans (on the opposite chromosome) from a pathogenic variant. ClinVar contains an entry for this variant (Variation ID: 1386024). Invitae Evidence Modeling of protein sequence and biophysical properties (such as structural, functional, and spatial information, amino acid conservation, physicochemical variation, residue mobility, and thermodynamic stability) indicates that this missense variant is not expected to disrupt PROKR2 protein function with a negative predictive value of 80%. Experimental studies have shown that this missense change affects PROKR2 function (PMID: 24830383, 36694982). In summary, the available evidence is currently insufficient to determine the role of this variant in disease. Therefore, it has been classified as a Variant of Uncertain Significance.

CeGaT Center for Human Genetics Tuebingen
Classification: Likely benign. Last evaluated: 2024-05-01. Review status: criteria provided, single submitter. Criteria: CeGaT Center For Human Genetics Tuebingen Variant Classification Criteria Version 2. Collection method: clinical testing. Allele origin: germline. Affected: yes. Observed: 1 variant allele.
Comment: PROKR2: BP4

Fulgent Genetics
Classification: Uncertain significance for Hypogonadotropic hypogonadism 3 with or without anosmia. Last evaluated: 2024-01-26. Review status: criteria provided, single submitter. Criteria: ACMG Guidelines, 2015. Collection method: clinical testing. Allele origin: germline.

Women's Health and Genetics/Laboratory Corporation of America, LabCorp
Classification: Uncertain significance. Last evaluated: 2022-08-11. Review status: criteria provided, single submitter. Criteria: LabCorp Variant Classification Summary - May 2015. Collection method: clinical testing. Allele origin: germline.
Comment: Variant summary: PROKR2 c.349C>T (p.Arg117Trp) results in a non-conservative amino acid change located in the GPCR, rhodopsin-like, 7TM domain (IPR017452) of the encoded protein sequence. Three of five in-silico tools predict a damaging effect of the variant on protein function. The variant allele was found at a frequency of 2.8e-05 in 282848 control chromosomes (gnomAD), and c.349C>T has been reported in the literature in one heterozygous individual affected with Kallmann Syndrome (Cox_2018). The variant was also found co-occurring with a biallelic genotype for a GNRHR variant in one family with Hypogonadism without Anosmia (Mendez_2014). These data do not allow any conclusion about variant significance. The variant was found to reduce cell surface expression (~12% of wild type), and reduced total ligand binding and cellular activation (Sbai_2014, Cox_2018). One ClinVar submitter has assessed the variant since 2014: the variant was classified as of uncertain significance. Based on the evidence outlined above, the variant was classified as VUS-possibly pathogenic.

Literature cited by the submitters: PubMed 25531638 (cited by Labcorp Genetics (formerly Invitae), Labcorp and Women's Health and Genetics/Laboratory Corporation of America, LabCorp); PubMed 29161432 (cited by Labcorp Genetics (formerly Invitae), Labcorp and Women's Health and Genetics/Laboratory Corporation of America, LabCorp); PubMed 24830383 (cited by Labcorp Genetics (formerly Invitae), Labcorp and Women's Health and Genetics/Laboratory Corporation of America, LabCorp); PubMed 36694982 (cited by Labcorp Genetics (formerly Invitae), Labcorp).

NM_144773.4(PROKR2):c.349C>T (p.Arg117Trp)

Gene: PROKR2 (prokineticin receptor 2; minus strand). Cytogenetic location: 20p12.3.
Variant type: single nucleotide variant.
Coding change: c.349C>T on transcript NM_144773.4 (MANE Select); coding-DNA position 349, C replaced by T.
Protein change: p.Arg117Trp; replaces arginine 117 with tryptophan.
Molecular consequence: missense variant.
Genome position (GRCh38, 1-based): chr20:5,314,021, G>A on the plus strand (C>T on the coding strand, the complement: PROKR2 is on the minus strand). VCF-style: chr20-5314021-G-A. GRCh37 (hg19) VCF-style: chr20-5294667-G-A.
Other names: short protein forms R117W.
Identifiers: ClinVar variation 1386024 (VCV001386024.28), dbSNP rs142008002, ClinGen allele CA9754373.